The following is an entry in ClinVar:

ClinVar aggregate classification (germline): Uncertain significance (1 of 4 stars; one submission).

Conditions:
Hereditary cancer-predisposing syndrome. Also called: Neoplastic Syndromes, Hereditary; Hereditary Cancer Syndrome; Tumor predisposition; Hereditary neoplastic syndrome. Identifiers: Orphanet 140162, MedGen C0027672, MeSH D009386, MONDO:0015356.

Submission:

Labcorp Genetics (formerly Invitae), Labcorp
Classification: Uncertain significance for Hereditary cancer-predisposing syndrome. Last evaluated: 2021-04-10. Review status: criteria provided, single submitter. Criteria: Invitae Variant Classification Sherloc (09022015). Collection method: clinical testing. Allele origin: germline.
Comment: In summary, the available evidence is currently insufficient to determine the role of this variant in disease. Therefore, it has been classified as a Variant of Uncertain Significance. Algorithms developed to predict the effect of missense changes on protein structure and function are either unavailable or do not agree on the potential impact of this missense change (SIFT: "Deleterious"; PolyPhen-2: "Benign"; Align-GVGD: "Class C0"). This variant has not been reported in the literature in individuals with RAD50-related conditions. This variant is not present in population databases (ExAC no frequency). This sequence change replaces glutamine with histidine at codon 1047 of the RAD50 protein (p.Gln1047His). The glutamine residue is moderately conserved and there is a small physicochemical difference between glutamine and histidine.

NM_005732.4(RAD50):c.3141A>C (p.Gln1047His)

Gene: RAD50 (RAD50 double strand break repair protein; plus strand). Cytogenetic location: 5q31.1.
Variant type: single nucleotide variant.
Coding change: c.3141A>C on transcript NM_005732.4 (MANE Select); coding-DNA position 3141, A replaced by C.
Protein change: p.Gln1047His; replaces glutamine 1047 with histidine.
Molecular consequence: missense variant.
Genome position (GRCh38, 1-based): chr5:132,616,107, A>C. VCF-style: chr5-132616107-A-C. GRCh37 (hg19) VCF-style: chr5-131951799-A-C.
Other names: short protein forms Q1047H.
Identifiers: ClinVar variation 1472992 (VCV001472992.8), dbSNP rs2149853007, ClinGen allele CA360963855.